The following is an entry in ClinVar:

NM_004168.4(SDHA):c.841A>G (p.Thr281Ala)

Gene: SDHA (succinate dehydrogenase complex flavoprotein subunit A; plus strand). Cytogenetic location: 5p15.33.
Variant type: single nucleotide variant.
Coding change: c.841A>G on transcript NM_004168.4 (MANE Select); coding-DNA position 841, A replaced by G.
Protein change: p.Thr281Ala; replaces threonine 281 with alanine.
Molecular consequence: missense variant.
Genome position (GRCh38, 1-based): chr5:230,946, A>G. VCF-style: chr5-230946-A-G. GRCh37 (hg19) VCF-style: chr5-231061-A-G.
Other names: c.697A>G, p.Thr233Ala (NM_001294332.2); c.841A>G, p.Thr281Ala (NM_001330758.2); short protein forms T281A, T233A.
Identifiers: ClinVar variation 548821 (VCV000548821.21), dbSNP rs772325115, ClinGen allele CA3173007.

ClinVar aggregate classification (germline): Uncertain significance. Review status: criteria provided, multiple submitters, no conflicts (2 of 4 stars). 8 submissions from 8 submitters: Uncertain significance (7). 1 of the submissions does not count toward it. Last evaluated 2025-12-10.

Conditions:
SDHA-related disorder. Also called: SDHA-related disorders; SDHA-related condition.
Pheochromocytoma/paraganglioma syndrome 5. Also called: Paragangliomas 5; SDHA-Related Hereditary Paraganglioma-Pheochromocytoma Syndrome. Identifiers: Orphanet 29072, MedGen C3279992, MONDO:0013602, OMIM 614165.
Dilated cardiomyopathy 1GG (CMD1GG). Identifiers: Orphanet 154, MedGen C3150898, MONDO:0013339, OMIM 613642.
Neurodegeneration with ataxia and late-onset optic atrophy. Identifiers: MedGen C5543254, MONDO:0031006, OMIM 619259.
Mitochondrial complex II deficiency, nuclear type 1. Also called: SUCCINATE CoQ REDUCTASE DEFICIENCY. Identifiers: Orphanet 3208, MedGen C5700310, MONDO:0100294, OMIM 252011.
Hereditary cancer-predisposing syndrome. Also called: Tumor predisposition; Hereditary neoplastic syndrome; Neoplastic Syndromes, Hereditary; Hereditary Cancer Syndrome. Identifiers: Orphanet 140162, MedGen C0027672, MeSH D009386, MONDO:0015356.

Allele frequency attached by ClinVar (database versions not stated): gnomAD exomes below 0.00001; ExAC 0.00001; TOPMed 0.00003; gnomAD 0.00005.
gnomAD v4.1: 12 of 1,613,890 alleles (0.00074%); highest among the groups gnomAD compares: African/African-American, 0.012%; no homozygotes.

Submissions (8):

Labcorp Genetics (formerly Invitae), Labcorp
Classification: Uncertain significance for Pheochromocytoma/paraganglioma syndrome 5; Mitochondrial complex II deficiency, nuclear type 1. Last evaluated: 2025-12-10. Review status: criteria provided, single submitter. Criteria: Invitae Variant Classification Sherloc (09022015). Collection method: clinical testing. Allele origin: germline.
Comment: This sequence change replaces threonine, which is neutral and polar, with alanine, which is neutral and non-polar, at codon 281 of the SDHA protein (p.Thr281Ala). This variant is present in population databases (rs772325115, gnomAD 0.008%). This variant has not been reported in the literature in individuals affected with SDHA-related conditions. ClinVar contains an entry for this variant (Variation ID: 548821). Invitae Evidence Modeling of protein sequence and biophysical properties (such as structural, functional, and spatial information, amino acid conservation, physicochemical variation, residue mobility, and thermodynamic stability) indicates that this missense variant is not expected to disrupt SDHA protein function with a negative predictive value of 95%. In summary, the available evidence is currently insufficient to determine the role of this variant in disease. Therefore, it has been classified as a Variant of Uncertain Significance.

PreventionGenetics, part of Exact Sciences
Classification: Uncertain significance for SDHA-related condition. Last evaluated: 2025-09-03. Review status: criteria provided, single submitter. Criteria: ACMG Guidelines, 2015. Collection method: clinical testing. Allele origin: germline.
Comment: The SDHA c.841A>G variant is predicted to result in the amino acid substitution p.Thr281Ala. To our knowledge, this variant has not been reported in the literature. This variant is reported in 0.0040% of alleles in individuals of African descent in gnomAD, and has been interpreted as uncertain in ClinVar (Variation ID: 548821). At this time, the clinical significance of this variant is uncertain due to the absence of conclusive functional and genetic evidence.

Ambry Genetics
Classification: Uncertain significance for Hereditary cancer-predisposing syndrome. Last evaluated: 2024-10-06. Review status: criteria provided, single submitter. Criteria: Ambry Variant Classification Scheme 2023. Collection method: clinical testing. Allele origin: germline.
Comment: The p.T281A variant (also known as c.841A>G), located in coding exon 7 of the SDHA gene, results from an A to G substitution at nucleotide position 841. The threonine at codon 281 is replaced by alanine, an amino acid with similar properties. This amino acid position is highly conserved in available vertebrate species. In addition, the in silico prediction for this alteration is inconclusive. Since supporting evidence is limited at this time, the clinical significance of this alteration remains unclear.

GeneDx
Classification: Uncertain significance. Last evaluated: 2024-05-13. Review status: criteria provided, single submitter. Criteria: GeneDx Variant Classification Process June 2021. Collection method: clinical testing. Allele origin: germline. Affected: yes.
Comment: Not observed at significant frequency in large population cohorts (gnomAD); In silico analysis indicates that this missense variant does not alter protein structure/function; Has not been previously published as pathogenic or benign to our knowledge

Baylor Genetics
Classification: Uncertain significance for Dilated cardiomyopathy 1GG. Last evaluated: 2024-03-24. Review status: criteria provided, single submitter. Criteria: ACMG Guidelines, 2015. Collection method: clinical testing. Allele origin: unknown.

Myriad Genetics, Inc.
Classification: Uncertain significance for Pheochromocytoma/paraganglioma syndrome 5. Last evaluated: 2023-04-20. Review status: criteria provided, single submitter. Criteria: Myriad Autosomal Dominant, Autosomal Recessive and X-Linked Classification Criteria (2023). Collection method: clinical testing. Allele origin: unknown.
Comment: This variant is classified as a variant of uncertain significance as there is insufficient evidence to determine its impact on protein function and/or cancer risk.

Fulgent Genetics
Classification: Uncertain significance for Mitochondrial complex II deficiency, nuclear type 1; Dilated cardiomyopathy 1GG; Pheochromocytoma/paraganglioma syndrome 5; Neurodegeneration with ataxia and late-onset optic atrophy. Last evaluated: 2021-10-06. Review status: criteria provided, single submitter. Criteria: ACMG Guidelines, 2015. Collection method: clinical testing. Allele origin: unknown.

Counsyl
Classification: Uncertain significance for Pheochromocytoma/paraganglioma syndrome 5. Last evaluated: 2017-12-13. Review status: no assertion criteria provided. Collection method: clinical testing. Allele origin: unknown. Not counted in ClinVar's aggregate classification.